The following is an entry in ClinVar:

NM_014363.6(SACS):c.7079C>A (p.Ser2360Tyr)

Gene: SACS (sacsin molecular chaperone; minus strand). Cytogenetic location: 13q12.12.
Variant type: single nucleotide variant.
Coding change: c.7079C>A on transcript NM_014363.6 (MANE Select); coding-DNA position 7079, C replaced by A.
Protein change: p.Ser2360Tyr; replaces serine 2360 with tyrosine.
Molecular consequence: missense variant.
Genome position (GRCh38, 1-based): chr13:23,336,797, G>T on the plus strand (C>A on the coding strand, the complement: SACS is on the minus strand). VCF-style: chr13-23336797-G-T. GRCh37 (hg19) VCF-style: chr13-23910936-G-T.
Other names: c.6638C>A, p.Ser2213Tyr (NM_001278055.2); short protein forms S2213Y, S2360Y.
Identifiers: ClinVar variation 2081803 (VCV002081803.4), dbSNP rs2542239725, ClinGen allele CA387520091.
Genomic context (GRCh38, chr13:23,336,797, plus strand): 5'-TTTTTATACTTATTAGGCAACTGATAAAGGTATGGTGCCGCCTCAAAATTTAAATGAAAA[G>T]AAACCTTTTCTGAGTCAACATATGCATTCTCAACTAGAATGAAGCTAAAGGGTTTTAACT-3'
Protein context (NP_055178.3, residues 2350-2370): ENAYVDSEKV[Ser2360Tyr]FHLNFEAAPY

ClinVar aggregate classification (germline): Uncertain significance (1 of 4 stars; one submission).

Conditions:
Spastic paraplegia. Identifiers: MedGen C0037772, HP:0001258.

Submission:

Labcorp Genetics (formerly Invitae), Labcorp
Classification: Uncertain significance for Spastic paraplegia. Last evaluated: 2025-06-23. Review status: criteria provided, single submitter. Criteria: Invitae Variant Classification Sherloc (09022015). Collection method: clinical testing. Allele origin: germline.
Comment: This sequence change replaces serine, which is neutral and polar, with tyrosine, which is neutral and polar, at codon 2360 of the SACS protein (p.Ser2360Tyr). This variant is not present in population databases (gnomAD no frequency). This variant has not been reported in the literature in individuals affected with SACS-related conditions. ClinVar contains an entry for this variant (Variation ID: 2081803). Invitae Evidence Modeling of protein sequence and biophysical properties (such as structural, functional, and spatial information, amino acid conservation, physicochemical variation, residue mobility, and thermodynamic stability) indicates that this missense variant is not expected to disrupt SACS protein function with a negative predictive value of 95%. In summary, the available evidence is currently insufficient to determine the role of this variant in disease. Therefore, it has been classified as a Variant of Uncertain Significance.